The following is an entry in ClinVar:

NM_004304.5(ALK):c.2148C>T (p.Ser716=)

Gene: ALK (ALK receptor tyrosine kinase; minus strand). Cytogenetic location: 2p23.2.
Variant type: single nucleotide variant.
Coding change: c.2148C>T on transcript NM_004304.5 (MANE Select); coding-DNA position 2148, C replaced by T.
Protein change: p.Ser716=; no amino-acid change (serine 716 retained).
Molecular consequence: synonymous variant.
Genome position (GRCh38, 1-based): chr2:29,251,161, G>A on the plus strand (C>T on the coding strand, the complement: ALK is on the minus strand). VCF-style: chr2-29251161-G-A. GRCh37 (hg19) VCF-style: chr2-29474027-G-A.
Identifiers: ClinVar variation 239801 (VCV000239801.33), dbSNP rs55733526, ClinGen allele CA1594425.
Genomic context (GRCh38, chr2:29,251,161, plus strand): 5'-GCACCTGTAGGTGTCGGTGGCTGGCACCTTCCAGATCTGGATGCCTTTCAGGGGGCCCTC[G>A]CTCCCCACCTCCACGCTCAGGTTGGAGTTCTGGTAGGCGTTGTTGCACTGTGCCTGGGTG-3'
Protein context (NP_004295.2, residues 706-726): QNSNLSVEVG[Ser716=]EGPLKGIQIW

ClinVar aggregate classification (germline): Benign/Likely benign. Review status: criteria provided, multiple submitters, no conflicts (2 of 4 stars). 9 submissions from 9 submitters: Benign (5); Likely benign (4). Last evaluated 2026-02-03.

Conditions:
Hereditary cancer-predisposing syndrome. Also called: Tumor predisposition; Hereditary Cancer Syndrome; Neoplastic Syndromes, Hereditary; Hereditary neoplastic syndrome. Identifiers: Orphanet 140162, MedGen C0027672, MeSH D009386, MONDO:0015356.
Neuroblastoma, susceptibility to, 3. Also called: ALK-Related Neuroblastic Tumor Susceptibility. Identifiers: Orphanet 635, MedGen C2751681, MONDO:0013083, OMIM 613014.

Allele frequency attached by ClinVar (database versions not stated): ESP Exome Variant Server 0.00015; gnomAD exomes 0.00021 and 0.00090; TOPMed 0.00072; ExAC 0.00089; gnomAD 0.00096; 1000 Genomes Project 30x 0.00265; 1000 Genomes Project 0.00280.
gnomAD v4.1: 499 of 1,614,036 alleles (0.031%); highest among the groups gnomAD compares: East Asian, 0.74%; 6 homozygotes.

Submissions (9):

Labcorp Genetics (formerly Invitae), Labcorp
Classification: Benign for Neuroblastoma, susceptibility to, 3. Last evaluated: 2026-02-03. Review status: criteria provided, single submitter. Criteria: Invitae Variant Classification Sherloc (09022015). Collection method: clinical testing. Allele origin: germline.

ARUP Laboratories, Molecular Genetics and Genomics, ARUP Laboratories
Classification: Benign for Neuroblastoma, susceptibility to, 3. Last evaluated: 2025-06-26. Review status: criteria provided, single submitter. Criteria: ARUP Molecular Germline Variant Investigation Process 2024. Collection method: clinical testing. Allele origin: germline.

CeGaT Center for Human Genetics Tuebingen
Classification: Likely benign. Last evaluated: 2025-05-01. Review status: criteria provided, single submitter. Criteria: CeGaT Center For Human Genetics Tuebingen Variant Classification Criteria Version 2. Collection method: clinical testing. Allele origin: germline. Affected: yes. Observed: 1 variant allele.
Comment: ALK: BP4, BP7

Blueprint Genetics
Classification: Likely benign. Last evaluated: 2024-10-16. Review status: criteria provided, single submitter. Criteria: ACMG Guidelines, 2015. Collection method: clinical testing. Allele origin: germline.

KCCC/NGS Laboratory, Kuwait Cancer Control Center
Classification: Benign for Neuroblastoma, susceptibility to, 3. Last evaluated: 2023-07-07. Review status: criteria provided, single submitter. Criteria: ACMG Guidelines, 2015. Collection method: clinical testing. Allele origin: germline. Affected: yes.

Women's Health and Genetics/Laboratory Corporation of America, LabCorp
Classification: Benign. Last evaluated: 2021-12-10. Review status: criteria provided, single submitter. Criteria: LabCorp Variant Classification Summary - May 2015. Collection method: clinical testing. Allele origin: germline.

Ambry Genetics
Classification: Likely benign for Hereditary cancer-predisposing syndrome. Last evaluated: 2018-09-17. Review status: criteria provided, single submitter. Criteria: Ambry Variant Classification Scheme 2023. Collection method: clinical testing. Allele origin: germline.

Illumina Laboratory Services, Illumina
Classification: Benign for Neuroblastoma, susceptibility to, 3. Last evaluated: 2018-01-12. Review status: criteria provided, single submitter. Criteria: ICSL Variant Classification Criteria 13 December 2019. Collection method: clinical testing. Allele origin: germline.
Comment: This variant was observed in the ICSL laboratory as part of a predisposition screen in an ostensibly healthy population. It had not been previously curated by ICSL or reported in the Human Gene Mutation Database (HGMD: prior to June 1st, 2018), and was therefore a candidate for classification through an automated scoring system. Utilizing variant allele frequency, disease prevalence and penetrance estimates, and inheritance mode, an automated score was calculated to assess if this variant is too frequent to cause the disease. Based on the score and internal cut-off values, a variant classified as benign is not then subjected to further curation. The score for this variant resulted in a classification of benign for this disease.

GeneDx
Classification: Likely benign. Last evaluated: 2017-04-12. Review status: criteria provided, single submitter. Criteria: GeneDx Variant Classification (06012015). Collection method: clinical testing. Allele origin: germline. Affected: yes.
Comment: This variant is considered likely benign or benign based on one or more of the following criteria: it is a conservative change, it occurs at a poorly conserved position in the protein, it is predicted to be benign by multiple in silico algorithms, and/or has population frequency not consistent with disease.